The following is an entry in ClinVar:

NM_016148.5(SHANK1):c.5278C>G (p.Arg1760Gly)

Gene: SHANK1 (SH3 and multiple ankyrin repeat domains 1; minus strand). Cytogenetic location: 19q13.33.
Variant type: single nucleotide variant.
Coding change: c.5278C>G on transcript NM_016148.5 (MANE Select); coding-DNA position 5278, C replaced by G.
Protein change: p.Arg1760Gly; replaces arginine 1760 with glycine.
Molecular consequence: missense variant.
Genome position (GRCh38, 1-based): chr19:50,666,682, G>C on the plus strand (C>G on the coding strand, the complement: SHANK1 is on the minus strand). VCF-style: chr19-50666682-G-C. GRCh37 (hg19) VCF-style: chr19-51169939-G-C.
Other names: short protein forms R1760G.
Identifiers: ClinVar variation 5037057 (VCV005037057.1).
Genomic context (GRCh38, chr19:50,666,682, plus strand): 5'-CAGGGTCTCGGAGTCCCCCGCTGGGGCCAGGCCGCAGGCCTCCGCTGGCTCCTAGCGCCC[G>C]GCCCCGGAGCTTAGAGGGAGTCATGAGCTGAGGAGGGTATGGCGGGCCGGGAGTACTGCT-3'
Protein context (NP_057232.2, residues 1750-1770): QLMTPSKLRG[Arg1760Gly]ALGASGGLRP

ClinVar aggregate classification (germline): Uncertain significance (1 of 4 stars; one submission).

Submission:

GeneDx
Classification: Uncertain significance. Last evaluated: 2026-04-15. Review status: criteria provided, single submitter. Criteria: GeneDx Variant Classification Process June 2021. Collection method: clinical testing. Allele origin: germline.
Comment: Not observed at significant frequency in large population cohorts (gnomAD); In silico analysis suggests that this missense variant does not alter protein structure/function; Has not been previously published as pathogenic or benign to our knowledge